The following is an entry in ClinVar:

NM_024675.4(PALB2):c.761del (p.Leu253_Ser254insTer)

Gene: PALB2 (partner and localizer of BRCA2; minus strand). Cytogenetic location: 16p12.2.
Variant type: Deletion.
Coding change: c.761del on transcript NM_024675.4 (MANE Select); coding-DNA position 761, one base deleted (C; older notation c.761delC).
Protein change: p.Leu253_Ser254insTer.
Molecular consequence: nonsense.
Genome position (GRCh38, 1-based): chr16:23,635,785, G deleted on the plus strand (C on the coding strand, the reverse complement: PALB2 is on the minus strand). VCF-style (leftmost placement, unchanged base first): chr16-23635784-TG-T. GRCh37 (hg19) VCF-style: chr16-23647105-TG-T.
Other names: c.761delC (NM_024675.3).
Identifiers: ClinVar variation 1379279 (VCV001379279.8), dbSNP rs2142435242, ClinGen allele CA2573152208.

ClinVar aggregate classification (germline): Pathogenic. Review status: criteria provided, multiple submitters, no conflicts (2 of 4 stars). 2 submissions from 2 submitters: Pathogenic (2). Last evaluated 2025-08-29.

Conditions:
Hereditary cancer-predisposing syndrome. Also called: Neoplastic Syndromes, Hereditary; Hereditary Cancer Syndrome; Tumor predisposition; Hereditary neoplastic syndrome. Identifiers: Orphanet 140162, MedGen C0027672, MeSH D009386, MONDO:0015356.
Familial cancer of breast. Also called: Hereditary breast cancer; BREAST CANCER, FAMILIAL; hereditary breast carcinoma. Identifiers: Orphanet 227535, MedGen C0346153, MONDO:0016419, OMIM 114480. Disease mechanism: loss of function.

Submissions (2):

Labcorp Genetics (formerly Invitae), Labcorp
Classification: Pathogenic for Familial cancer of breast. Last evaluated: 2025-08-29. Review status: criteria provided, single submitter. Criteria: Invitae Variant Classification Sherloc (09022015). Collection method: clinical testing. Allele origin: germline.
Comment: This sequence change creates a premature translational stop signal (p.Ser254*) in the PALB2 gene. It is expected to result in an absent or disrupted protein product. Loss-of-function variants in PALB2 are known to be pathogenic (PMID: 17200668, 17200671, 17200672, 24136930, 25099575). This variant is not present in population databases (gnomAD no frequency). This variant has not been reported in the literature in individuals affected with PALB2-related conditions. ClinVar contains an entry for this variant (Variation ID: 1379279). For these reasons, this variant has been classified as Pathogenic.

Ambry Genetics
Classification: Pathogenic for Hereditary cancer-predisposing syndrome. Last evaluated: 2024-06-24. Review status: criteria provided, single submitter. Criteria: Ambry Variant Classification Scheme 2023. Collection method: clinical testing. Allele origin: germline.
Comment: The c.761delC pathogenic mutation, located in coding exon 4 of the PALB2 gene, results from a deletion of one nucleotide at nucleotide position 761, causing a translational frameshift with a predicted alternate stop codon (p.S254*). This variant is considered to be rare based on population cohorts in the Genome Aggregation Database (gnomAD). This alteration is expected to result in loss of function by premature protein truncation or nonsense-mediated mRNA decay. As such, this alteration is interpreted as a disease-causing mutation.

Literature cited by the submitters: PubMed 17200668 (cited by Labcorp Genetics (formerly Invitae), Labcorp); PubMed 17200671 (cited by Labcorp Genetics (formerly Invitae), Labcorp); PubMed 17200672 (cited by Labcorp Genetics (formerly Invitae), Labcorp); PubMed 24136930 (cited by Labcorp Genetics (formerly Invitae), Labcorp); PubMed 25099575 (cited by Labcorp Genetics (formerly Invitae), Labcorp).